The following is an entry in ClinVar:

NM_000088.4(COL1A1):c.3102_3111dup (p.Glu1038Ter)

Gene: COL1A1 (collagen type I alpha 1 chain; minus strand). Cytogenetic location: 17q21.33.
Variant type: Duplication.
Coding change: c.3102_3111dup on transcript NM_000088.4 (MANE Select); coding-DNA positions 3102 to 3111, 10 bases duplicated (TGACCGTGGT; older notation c.3102_3111dupTGACCGTGGT).
Protein change: p.Glu1038Ter; replaces glutamic acid 1038 with a stop codon.
Molecular consequence: nonsense.
Genome position (GRCh38, 1-based): chr17:50,188,626-50,188,635, ACCACGGTCA duplicated on the plus strand (TGACCGTGGT on the coding strand, the reverse complement: COL1A1 is on the minus strand). VCF-style (leftmost placement, unchanged base first): chr17-50188625-C-CACCACGGTCA. GRCh37 (hg19) VCF-style: chr17-48265986-C-CACCACGGTCA.
Other names: short protein forms E1038*.
Identifiers: ClinVar variation 1256189 (VCV001256189.1), dbSNP rs2144546004, ClinGen allele CA2499224715.
Genomic context (GRCh38, chr17:50,188,625, plus strand): 5'-CAACGGGGCCAGGGGCACCAGGAGCACCAGGAGCACCAGGGGGTCCAGCGGGGCCGGTCT[C>CACCACGGTCA]ACCACGGTCACCCTGGCGGGGAGAGCAGGGGAATATGGGTCAGCCCCGGGTGAAGGGCCA-3'

ClinVar aggregate classification (germline): Pathogenic (1 of 4 stars; one submission).

Submission:

Athena Diagnostics
Classification: Pathogenic. Last evaluated: 2021-01-18. Review status: criteria provided, single submitter. Criteria: Athena Diagnostics criteria. Collection method: clinical testing. Allele origin: unknown.
Comment: This variant is expected to result in the loss of a functional protein. This variant has not been reported in large, multi-ethnic general populations. This variant interrupts the reading frame creating a premature termination at codon 1038. This variant has been identified in at least one individual with clinical features associated with this gene.